The following is an entry in ClinVar:

NM_007348.4(ATF6):c.955T>C (p.Ser319Pro)

Gene: ATF6 (activating transcription factor 6; plus strand). Cytogenetic location: 1q23.3.
Variant type: single nucleotide variant.
Coding change: c.955T>C on transcript NM_007348.4 (MANE Select); coding-DNA position 955, T replaced by C.
Protein change: p.Ser319Pro; replaces serine 319 with proline.
Molecular consequence: missense variant.
Genome position (GRCh38, 1-based): chr1:161,819,678, T>C. VCF-style: chr1-161819678-T-C. GRCh37 (hg19) VCF-style: chr1-161789468-T-C.
Other names: c.955T>C, p.Ser319Pro (NM_001410890.1); short protein forms S319P.
Identifiers: ClinVar variation 3602376 (VCV003602376.1).

ClinVar aggregate classification (germline): Uncertain significance (1 of 4 stars; one submission).

Submission:

GeneDx
Classification: Uncertain significance. Last evaluated: 2024-07-31. Review status: criteria provided, single submitter. Criteria: GeneDx Variant Classification Process June 2021. Collection method: clinical testing. Allele origin: germline. Affected: yes.
Comment: Not observed at significant frequency in large population cohorts (gnomAD); In silico analysis supports that this missense variant has a deleterious effect on protein structure/function; Has not been previously published as pathogenic or benign to our knowledge